The following is an entry in ClinVar:

NM_006231.4(POLE):c.412G>C (p.Asp138His)

Gene: POLE (DNA polymerase epsilon, catalytic subunit; minus strand). Cytogenetic location: 12q24.33.
Variant type: single nucleotide variant.
Coding change: c.412G>C on transcript NM_006231.4 (MANE Select); coding-DNA position 412, G replaced by C.
Protein change: p.Asp138His; replaces aspartic acid 138 with histidine.
Molecular consequence: missense variant.
Genome position (GRCh38, 1-based): chr12:132,679,965, C>G on the plus strand (G>C on the coding strand, the complement: POLE is on the minus strand). VCF-style: chr12-132679965-C-G. GRCh37 (hg19) VCF-style: chr12-133256551-C-G.
Other names: short protein forms D138H.
Identifiers: ClinVar variation 659109 (VCV000659109.11), dbSNP rs1593085858, ClinGen allele CA387368021.

ClinVar aggregate classification (germline): Uncertain significance. Review status: criteria provided, multiple submitters, no conflicts (2 of 4 stars). 2 submissions from 2 submitters: Uncertain significance (2). Last evaluated 2026-01-22.

Conditions:
Hereditary cancer-predisposing syndrome. Also called: Neoplastic Syndromes, Hereditary; Hereditary neoplastic syndrome; Tumor predisposition; Hereditary Cancer Syndrome. Identifiers: Orphanet 140162, MedGen C0027672, MeSH D009386, MONDO:0015356.

Submissions (2):

Labcorp Genetics (formerly Invitae), Labcorp
Classification: Uncertain significance. Last evaluated: 2026-01-22. Review status: criteria provided, single submitter. Criteria: Invitae Variant Classification Sherloc (09022015). Collection method: clinical testing. Allele origin: germline.
Comment: This sequence change replaces aspartic acid, which is acidic and polar, with histidine, which is basic and polar, at codon 138 of the POLE protein (p.Asp138His). This variant is not present in population databases (gnomAD no frequency). This variant has not been reported in the literature in individuals affected with POLE-related conditions. ClinVar contains an entry for this variant (Variation ID: 659109). Invitae Evidence Modeling of protein sequence and biophysical properties (such as structural, functional, and spatial information, amino acid conservation, physicochemical variation, residue mobility, and thermodynamic stability) indicates that this missense variant is expected to disrupt POLE protein function with a positive predictive value of 80%. In summary, the available evidence is currently insufficient to determine the role of this variant in disease. Therefore, it has been classified as a Variant of Uncertain Significance.

Ambry Genetics
Classification: Uncertain significance for Hereditary cancer-predisposing syndrome. Last evaluated: 2025-12-20. Review status: criteria provided, single submitter. Criteria: Ambry Variant Classification Scheme 2023. Collection method: clinical testing. Allele origin: germline.
Comment: The p.D138H variant (also known as c.412G>C), located in coding exon 5 of the POLE gene, results from a G to C substitution at nucleotide position 412. The aspartic acid at codon 138 is replaced by histidine, an amino acid with similar properties. This amino acid position is conserved. In addition, this alteration is predicted to be deleterious by in silico analysis. Since supporting evidence is limited at this time, the clinical significance of this alteration remains unclear.